The following is an entry in ClinVar:

NM_000548.5(TSC2):c.3711G>T (p.Ala1237=)

Gene: TSC2 (TSC complex subunit 2; plus strand). Cytogenetic location: 16p13.3.
Variant type: single nucleotide variant.
Coding change: c.3711G>T on transcript NM_000548.5 (MANE Select); coding-DNA position 3711, G replaced by T.
Protein change: p.Ala1237=; no amino-acid change (alanine 1237 retained).
Molecular consequence: synonymous variant. On other transcripts: non-coding transcript variant (5).
Genome position (GRCh38, 1-based): chr16:2,081,695, G>T. VCF-style: chr16-2081695-G-T. GRCh37 (hg19) VCF-style: chr16-2131696-G-T.
Other names: c.3579G>T, p.Ala1193= (NM_001077183.3, NM_001370404.1, NM_001406665.1); c.3711G>T, p.Ala1237= (NM_001114382.3); c.3471G>T, p.Ala1157= (NM_001318827.2); c.3435G>T, p.Ala1145= (NM_001318829.2); c.2979G>T, p.Ala993= (NM_001318831.2, NM_001406687.1, NM_001406688.1); c.3612G>T, p.Ala1204= (NM_001318832.2); c.3582G>T, p.Ala1194= (NM_001363528.2, NM_001370405.1, NM_021055.3); c.3708G>T, p.Ala1236= (NM_001406663.1, NM_001406664.1); and 18 more.
Identifiers: ClinVar variation 3462527 (VCV003462527.2).

ClinVar aggregate classification (germline): Benign/Likely benign. Review status: criteria provided, multiple submitters, no conflicts (2 of 4 stars). 2 submissions from 2 submitters: Benign (1); Likely benign (1). Last evaluated 2025-05-30.

Conditions:
Tuberous sclerosis 2 (TSC2). Identifiers: Orphanet 805, MedGen C1860707, MONDO:0013199, OMIM 613254.
Hereditary cancer-predisposing syndrome. Also called: Hereditary Cancer Syndrome; Hereditary neoplastic syndrome; Neoplastic Syndromes, Hereditary; Tumor predisposition. Identifiers: Orphanet 140162, MedGen C0027672, MeSH D009386, MONDO:0015356.

gnomAD v4.1: 9 of 1,612,942 alleles (0.00056%); highest among the groups gnomAD compares: Non-Finnish European, 0.00076%; no homozygotes.

Submissions (2):

Myriad Genetics, Inc.
Classification: Benign for Tuberous sclerosis 2. Last evaluated: 2025-05-30. Review status: criteria provided, single submitter. Criteria: Myriad Autosomal Dominant, Autosomal Recessive and X-Linked Classification Criteria (2023). Collection method: clinical testing. Allele origin: unknown.
Comment: This variant is considered benign. This variant is a silent/synonymous amino acid change and it is not expected to impact splicing.

Ambry Genetics
Classification: Likely benign for Hereditary cancer-predisposing syndrome. Last evaluated: 2024-09-01. Review status: criteria provided, single submitter. Criteria: Ambry Variant Classification Scheme 2023. Collection method: clinical testing. Allele origin: germline.